The following is an entry in ClinVar:

ClinVar aggregate classification (germline): Likely benign. Review status: criteria provided, multiple submitters, no conflicts (2 of 4 stars). 2 submissions from 2 submitters: Likely benign (2). Last evaluated 2025-01-21.

Conditions:
Familial cancer of breast. Also called: Hereditary breast cancer; BREAST CANCER, FAMILIAL; hereditary breast carcinoma. Identifiers: Orphanet 227535, MedGen C0346153, MONDO:0016419, OMIM 114480. Disease mechanism: loss of function.

Submissions (2):

Myriad Genetics, Inc.
Classification: Likely benign for Familial cancer of breast. Last evaluated: 2025-01-21. Review status: criteria provided, single submitter. Criteria: Myriad Autosomal Dominant, Autosomal Recessive and X-Linked Classification Criteria (2023). Collection method: clinical testing. Allele origin: unknown.
Comment: This variant is considered likely benign. This variant is intronic and is not expected to impact mRNA splicing.

Labcorp Genetics (formerly Invitae), Labcorp
Classification: Likely benign for Familial cancer of breast. Last evaluated: 2022-02-09. Review status: criteria provided, single submitter. Criteria: Invitae Variant Classification Sherloc (09022015). Collection method: clinical testing. Allele origin: germline.

NM_024675.4(PALB2):c.2997-14T>C

Gene: PALB2 (partner and localizer of BRCA2; minus strand). Cytogenetic location: 16p12.2.
Variant type: single nucleotide variant.
Coding change: c.2997-14T>C on transcript NM_024675.4 (MANE Select); 14 bases into the intron before coding-DNA position 2997, T replaced by C.
Molecular consequence: intron variant.
Genome position (GRCh38, 1-based): chr16:23,621,492, A>G on the plus strand (T>C on the coding strand, the complement: PALB2 is on the minus strand). VCF-style: chr16-23621492-A-G. GRCh37 (hg19) VCF-style: chr16-23632813-A-G.
Identifiers: ClinVar variation 2095791 (VCV002095791.5), dbSNP rs2506321286, ClinGen allele CA2580091347.